The following is an entry in ClinVar:

ClinVar aggregate classification (germline): Uncertain significance (1 of 4 stars; one submission).

Submission:

Ambry Genetics
Classification: Uncertain significance. Last evaluated: 2021-09-04. Review status: criteria provided, single submitter. Criteria: Ambry Variant Classification Scheme 2023. Collection method: clinical testing. Allele origin: germline.
Comment: The p.P3832A variant (also known as c.11494C>G), located in coding exon 81 of the PRKDC gene, results from a C to G substitution at nucleotide position 11494. The proline at codon 3832 is replaced by alanine, an amino acid with highly similar properties. This amino acid position is conserved. In addition, this alteration is predicted to be tolerated by in silico analysis. Since supporting evidence is limited at this time, the clinical significance of this alteration remains unclear.

NM_006904.7(PRKDC):c.11494C>G (p.Pro3832Ala)

Gene: PRKDC (protein kinase, DNA-activated, catalytic subunit; minus strand). Cytogenetic location: 8q11.21.
Variant type: single nucleotide variant.
Coding change: c.11494C>G on transcript NM_006904.7 (MANE Select); coding-DNA position 11494, C replaced by G.
Protein change: p.Pro3832Ala; replaces proline 3832 with alanine.
Molecular consequence: missense variant.
Genome position (GRCh38, 1-based): chr8:47,779,089, G>C on the plus strand (C>G on the coding strand, the complement: PRKDC is on the minus strand). VCF-style: chr8-47779089-G-C. GRCh37 (hg19) VCF-style: chr8-48691650-G-C.
Other names: c.11401C>G, p.Pro3801Ala (NM_001081640.2); short protein forms P3832A, P3801A.
Identifiers: ClinVar variation 1733185 (VCV001733185.2), dbSNP rs890013508, ClinGen allele CA371129231.